The following is an entry in ClinVar:

NM_178012.5(TUBB2B):c.887C>A (p.Ser296Tyr)

Gene: TUBB2B (tubulin beta 2B class IIb; minus strand). Cytogenetic location: 6p25.2.
Variant type: single nucleotide variant.
Coding change: c.887C>A on transcript NM_178012.5 (MANE Select); coding-DNA position 887, C replaced by A.
Protein change: p.Ser296Tyr; replaces serine 296 with tyrosine.
Molecular consequence: missense variant.
Genome position (GRCh38, 1-based): chr6:3,225,202, G>T on the plus strand (C>A on the coding strand, the complement: TUBB2B is on the minus strand). VCF-style: chr6-3225202-G-T. GRCh37 (hg19) VCF-style: chr6-3225436-G-T.
Other names: short protein forms S296Y.
Identifiers: ClinVar variation 2809159 (VCV002809159.3), dbSNP rs1044245637, ClinGen allele CA133507124.
Genomic context (GRCh38, chr6:3,225,202, plus strand): 5'-ATGGCAGCCACCGTCAGGTAGCGGCCGTGGCGCGGGTCGCAGGCGGCCATCATGTTCTTG[G>T]AGTCGAACATCTGCTGGGTGAGCTCGGGCACCGTGAGCGCCCGGTACTGCTGGCTGCCCC-3'
Protein context (NP_821080.1, residues 286-306): VPELTQQMFD[Ser296Tyr]KNMMAACDPR

ClinVar aggregate classification (germline): Uncertain significance (1 of 4 stars; one submission).

Submission:

Labcorp Genetics (formerly Invitae), Labcorp
Classification: Uncertain significance. Last evaluated: 2022-10-20. Review status: criteria provided, single submitter. Criteria: Invitae Variant Classification Sherloc (09022015). Collection method: clinical testing. Allele origin: germline.
Comment: Advanced modeling of protein sequence and biophysical properties (such as structural, functional, and spatial information, amino acid conservation, physicochemical variation, residue mobility, and thermodynamic stability) performed at Invitae indicates that this missense variant is expected to disrupt TUBB2B protein function. This variant has not been reported in the literature in individuals affected with TUBB2B-related conditions. This variant is not present in population databases (gnomAD no frequency). This sequence change replaces serine, which is neutral and polar, with tyrosine, which is neutral and polar, at codon 296 of the TUBB2B protein (p.Ser296Tyr). In summary, the available evidence is currently insufficient to determine the role of this variant in disease. Therefore, it has been classified as a Variant of Uncertain Significance.